The following is an entry in ClinVar:

ClinVar aggregate classification (germline): Pathogenic (1 of 4 stars; one submission).

Submission:

Labcorp Genetics (formerly Invitae), Labcorp
Classification: Pathogenic. Last evaluated: 2025-12-06. Review status: criteria provided, single submitter. Criteria: Invitae Variant Classification Sherloc (09022015). Collection method: clinical testing. Allele origin: germline.
Comment: This sequence change creates a premature translational stop signal (p.Thr1894Argfs*67) in the HSPG2 gene. It is expected to result in an absent or disrupted protein product. Loss-of-function variants in HSPG2 are known to be pathogenic (PMID: 11279527, 16927315, 20542149, 23836246). This variant is not present in population databases (gnomAD no frequency). This variant has not been reported in the literature in individuals affected with HSPG2-related conditions. ClinVar contains an entry for this variant (Variation ID: 3679902). For these reasons, this variant has been classified as Pathogenic.

Literature cited by the submitters: PubMed 11279527; PubMed 16927315; PubMed 20542149; PubMed 23836246.

NM_005529.7(HSPG2):c.5679del (p.Thr1894fs)

Gene: HSPG2 (heparan sulfate proteoglycan 2; minus strand). Cytogenetic location: 1p36.12.
Variant type: Deletion.
Coding change: c.5679del on transcript NM_005529.7 (MANE Select); coding-DNA position 5679, one base deleted (C; older notation c.5679delC).
Protein change: p.Thr1894fs; shifts the reading frame from threonine 1894.
Molecular consequence: frameshift variant.
Genome position (GRCh38, 1-based): chr1:21,855,809, G deleted on the plus strand (C on the coding strand, the reverse complement: HSPG2 is on the minus strand); the first of 4 consecutive G bases (chr1:21,855,809-21,855,812); deleting any one gives the same sequence. VCF-style (leftmost placement, unchanged base first): chr1-21855808-TG-T. GRCh37 (hg19) VCF-style: chr1-22182301-TG-T.
Other names: c.5682del, p.Thr1895fs (NM_001291860.2); short protein forms T1894fs, T1895fs.
Identifiers: ClinVar variation 3679902 (VCV003679902.2).
Genomic context (GRCh38, chr1:21,855,808, plus strand): 5'-AGAGTCAGGCCTTGAATGTCATTCCCATCACGGCCTCACCTGTCCACTCGAGGGTGGGCG[TG>T]GGGCTCCCTGTGGCGCTGCAGCGGAACTCCGCCAGTTGCCCGGGCTGCACTGTGAGCTGT-3'